The following is an entry in ClinVar:

NM_001283009.2(RTEL1):c.958+18C>T

Genes: RTEL1 (regulator of telomere elongation helicase 1; plus strand), RTEL1-TNFRSF6B (RTEL1-TNFRSF6B readthrough (NMD candidate); plus strand). Cytogenetic location: 20q13.33.
Variant type: single nucleotide variant.
Coding change: c.958+18C>T on transcript NM_001283009.2 (MANE Select); 18 bases into the intron after coding-DNA position 958, C replaced by T.
Molecular consequence: intron variant.
Genome position (GRCh38, 1-based): chr20:63,678,201, C>T. VCF-style: chr20-63678201-C-T. GRCh37 (hg19) VCF-style: chr20-62309554-C-T.
Other names: c.289+18C>T (NM_001283010.1); c.1030+18C>T (NM_032957.5); c.958+18C>T (NM_016434.4).
Identifiers: ClinVar variation 496488 (VCV000496488.22), dbSNP rs41309367, ClinGen allele CA9964523.

ClinVar aggregate classification (germline): Benign/Likely benign. Review status: criteria provided, multiple submitters, no conflicts (2 of 4 stars). 11 submissions from 10 submitters: Benign (8); Likely benign (1). 2 of the submissions do not count toward it. Last evaluated 2026-02-04.

Conditions:
Dyskeratosis congenita, autosomal recessive 5 (DKCB5). Identifiers: MedGen C3554656, MONDO:0014076, OMIM 615190.
Pulmonary fibrosis and/or bone marrow failure, Telomere-related, 3. Also called: PULMONARY FIBROSIS AND/OR BONE MARROW FAILURE SYNDROME, TELOMERE-RELATED, 3. Identifiers: Orphanet 2032, MedGen C4225346, MONDO:0014613, OMIM 616373.

Allele frequency attached by ClinVar (database versions not stated): 1000 Genomes Project 0.61162; 1000 Genomes Project 30x 0.61758; gnomAD exomes 0.66205 and 0.66970; ExAC 0.66482; TOPMed 0.67708; gnomAD 0.68150 and 0.68710; ESP Exome Variant Server 0.69453.

Submissions (11):

Labcorp Genetics (formerly Invitae), Labcorp
Classification: Benign for Dyskeratosis congenita, autosomal recessive 5; Pulmonary fibrosis and/or bone marrow failure, Telomere-related, 3. Last evaluated: 2026-02-04. Review status: criteria provided, single submitter. Criteria: Invitae Variant Classification Sherloc (09022015). Collection method: clinical testing. Allele origin: germline.

ARUP Laboratories, Molecular Genetics and Genomics, ARUP Laboratories
Classification: Benign. Last evaluated: 2025-07-18. Review status: criteria provided, single submitter. Criteria: ARUP Molecular Germline Variant Investigation Process 2024. Collection method: clinical testing. Allele origin: germline.

Blueprint Genetics
Classification: Likely benign. Last evaluated: 2024-11-28. Review status: criteria provided, single submitter. Criteria: ACMG Guidelines, 2015. Collection method: clinical testing. Allele origin: germline.

Unidad de Genómica Garrahan, Hospital de Pediatría Garrahan
Classification: Benign. Last evaluated: 2024-01-24. Review status: criteria provided, single submitter. Criteria: ACMG Guidelines, 2015. Collection method: clinical testing. Allele origin: germline. Affected: no. Observed: 82 variant alleles.
Comment: This variant is classified as Benign based on local population frequency. This variant was detected in 86% of patients studied by a panel of primary immunodeficiencies. Number of patients: 82. Only high quality variants are reported.

Genome-Nilou Lab
Classification: Benign for Dyskeratosis congenita, autosomal recessive 5. Last evaluated: 2021-07-10. Review status: criteria provided, single submitter. Criteria: ACMG Guidelines, 2015. Collection method: clinical testing. Allele origin: germline. Affected: no.

Genome-Nilou Lab
Classification: Benign for Pulmonary fibrosis and/or bone marrow failure, Telomere-related, 3. Last evaluated: 2021-07-10. Review status: criteria provided, single submitter. Criteria: ACMG Guidelines, 2015. Collection method: clinical testing. Allele origin: germline. Affected: no.

GeneDx
Classification: Benign. Last evaluated: 2018-11-12. Review status: criteria provided, single submitter. Criteria: GeneDx Variant Classification Process June 2021. Collection method: clinical testing. Allele origin: germline. Affected: yes.

Women's Health and Genetics/Laboratory Corporation of America, LabCorp
Classification: Benign. Last evaluated: 2017-07-10. Review status: criteria provided, single submitter. Criteria: LabCorp Variant Classification Summary - May 2015. Collection method: clinical testing. Allele origin: germline.
Comment: Variant summary: The RTEL1 c.1030+18C>T variant involves the alteration of a non-conserved intronic nucleotide. One in silico tool predicts a benign outcome for this variant. 5/5 splice prediction tools predict no significant impact on normal splicing. However, these predictions have yet to be confirmed by functional studies. This variant was found in 80332/120832 control chromosomes (27471 homozygotes) at a frequency of 0.6648239, which is approximately 595 times the estimated maximal expected allele frequency of a pathogenic RTEL1 variant (0.001118), suggesting this variant is likely a benign polymorphism. The observed allele frequency indicates that the T allele is the major allele (the most common allele observed in the general population). Therefore, this variant is classified as benign.

Breakthrough Genomics
Classification: Benign. Review status: criteria provided, single submitter. Criteria: ACMG Guidelines, 2015. Collection method: not provided. Allele origin: germline. Inheritance: Autosomal recessive inheritance. Affected: yes.

Clinical Genetics DNA and cytogenetics Diagnostics Lab, Erasmus MC, Erasmus Medical Center
Classification: Benign. Review status: no assertion criteria provided. Collection method: clinical testing. Allele origin: germline. Affected: yes. Study: VKGL Data-share Consensus. Not counted in ClinVar's aggregate classification.

Joint Genome Diagnostic Labs from Nijmegen and Maastricht, Radboudumc and MUMC+
Classification: Benign. Review status: no assertion criteria provided. Collection method: clinical testing. Allele origin: germline. Affected: yes. Study: VKGL Data-share Consensus. Not counted in ClinVar's aggregate classification.